The following is an entry in ClinVar:

ClinVar aggregate classification (germline): Uncertain significance (1 of 4 stars; one submission).

Conditions:
Developmental and epileptic encephalopathy, 9 (DEE9). Also called: PCDH19-Related X-Linked Female-Limited Epilepsy with Mental Retardation; Early infantile epileptic encephalopathy 9; JUBERG-HELLMAN SYNDROME; EPILEPSY, FEMALE-RESTRICTED, WITH MENTAL RETARDATION. Identifiers: Orphanet 101039, Orphanet 2076, MedGen C1848137, MONDO:0010246, OMIM 300088. Disease mechanism: loss of function.

Submission:

Neuberg Centre For Genomic Medicine, NCGM
Classification: Uncertain significance for Developmental and epileptic encephalopathy, 9. Review status: criteria provided, single submitter. Criteria: ACMG Guidelines, 2015. Collection method: clinical testing. Allele origin: germline. Inheritance: Autosomal dominant inheritance. Affected: yes.
Comment: The missense c.218A>G (p.Asp73Gly) variant in the PCDH19 gene has not been reported previously as a pathogenic variant nor as a benign variant, to our knowledge. The variant is absent in gnomAD Exomes and 1000 Genomes. The amino acid Aspartic acid at position 73 is changed to a Glycine changing protein sequence and it might alter its composition and physico-chemical properties.The variant is predicted as damaging by SIFT. The amino acid change p.Asp73Gly in PCDH19 is predicted as conserved by GERP++ and PhyloP across 100 vertebrates. For these reasons, this variant has been classified as Uncertain Significance

NM_001184880.2(PCDH19):c.218A>G (p.Asp73Gly)

Gene: PCDH19 (protocadherin 19; minus strand). Cytogenetic location: Xq22.1.
Variant type: single nucleotide variant.
Coding change: c.218A>G on transcript NM_001184880.2 (MANE Select); coding-DNA position 218, A replaced by G.
Protein change: p.Asp73Gly; replaces aspartic acid 73 with glycine.
Molecular consequence: missense variant.
Genome position (GRCh38, 1-based): chrX:100,408,380, T>C on the plus strand (A>G on the coding strand, the complement: PCDH19 is on the minus strand). VCF-style: chrX-100408380-T-C. GRCh37 (hg19) VCF-style: chrX-99663378-T-C.
Other names: c.218A>G, p.Asp73Gly (NM_001105243.2, NM_020766.3); short protein forms D73G.
Identifiers: ClinVar variation 3242082 (VCV003242082.1), dbSNP rs2520997042.